The following is an entry in ClinVar:

ClinVar aggregate classification (germline): Uncertain significance (1 of 4 stars; one submission).

Submission:

Labcorp Genetics (formerly Invitae), Labcorp
Classification: Uncertain significance. Last evaluated: 2024-02-24. Review status: criteria provided, single submitter. Criteria: Invitae Variant Classification Sherloc (09022015). Collection method: clinical testing. Allele origin: germline.
Comment: This sequence change replaces serine, which is neutral and polar, with threonine, which is neutral and polar, at codon 3632 of the KMT2A protein (p.Ser3632Thr). This variant is not present in population databases (gnomAD no frequency). This variant has not been reported in the literature in individuals affected with KMT2A-related conditions. ClinVar contains an entry for this variant (Variation ID: 2066697). Advanced modeling of protein sequence and biophysical properties (such as structural, functional, and spatial information, amino acid conservation, physicochemical variation, residue mobility, and thermodynamic stability) performed at Invitae indicates that this missense variant is not expected to disrupt KMT2A protein function with a negative predictive value of 95%. In summary, the available evidence is currently insufficient to determine the role of this variant in disease. Therefore, it has been classified as a Variant of Uncertain Significance.

NM_001197104.2(KMT2A):c.10895G>C (p.Ser3632Thr)

Gene: KMT2A (lysine methyltransferase 2A; plus strand). Cytogenetic location: 11q23.3.
Variant type: single nucleotide variant.
Coding change: c.10895G>C on transcript NM_001197104.2 (MANE Select); coding-DNA position 10895, G replaced by C.
Protein change: p.Ser3632Thr; replaces serine 3632 with threonine.
Molecular consequence: missense variant.
Genome position (GRCh38, 1-based): chr11:118,509,195, G>C. VCF-style: chr11-118509195-G-C. GRCh37 (hg19) VCF-style: chr11-118379910-G-C.
Other names: c.10985G>C, p.Ser3662Thr (NM_001412597.1); c.10886G>C, p.Ser3629Thr (NM_005933.4); short protein forms S3632T, S3629T, S3662T.
Identifiers: ClinVar variation 2066697 (VCV002066697.4), dbSNP rs2134427371, ClinGen allele CA382829609.